The following is an entry in ClinVar:

ClinVar aggregate classification (germline): Benign (1 of 4 stars; one submission).

Conditions:
Tuberous sclerosis 2 (TSC2). Identifiers: Orphanet 805, MedGen C1860707, MONDO:0013199, OMIM 613254.

gnomAD v4.1: 8 of 1,599,310 alleles (0.0005%); highest among the groups gnomAD compares: South Asian, 0.0033%; no homozygotes.

Submission:

Myriad Genetics, Inc.
Classification: Benign for Tuberous sclerosis 2. Last evaluated: 2025-06-09. Review status: criteria provided, single submitter. Criteria: Myriad Autosomal Dominant, Autosomal Recessive and X-Linked Classification Criteria (2023). Collection method: clinical testing. Allele origin: unknown.
Comment: This variant is considered benign. This variant occurs in the non-coding 3' untranslated region of the gene, and is not expected to impact protein function.

NM_000548.5(TSC2):c.*9C>T

Gene: TSC2 (TSC complex subunit 2; plus strand). Cytogenetic location: 16p13.3.
Variant type: single nucleotide variant.
Coding change: c.*9C>T on transcript NM_000548.5 (MANE Select); 9 bases downstream of the stop codon, C replaced by T.
Molecular consequence: 3 prime UTR variant. On other transcripts: non-coding transcript variant (5).
Genome position (GRCh38, 1-based): chr16:2,088,619, C>T. VCF-style: chr16-2088619-C-T. GRCh37 (hg19) VCF-style: chr16-2138620-C-T.
Other names: c.*9C>T (NM_001077183.3, NM_001114382.3, NM_001318827.2 and 39 more transcripts).
Identifiers: ClinVar variation 4071046 (VCV004071046.1).
Genomic context (GRCh38, chr16:2,088,619, plus strand): 5'-CCAGCGGAAGCGCCTCATCTCCTCGGTGGAGGACTTCACCGAGTTTGTGTGAGGCCGGGG[C>T]CCTCCCTCCTGCACTGGCCTTGGACGGTATTGCCTGTCAGTGAAATAAATAAAGTCCTGA-3'